The following is an entry in ClinVar:

ClinVar aggregate classification (germline): Uncertain significance. Review status: criteria provided, multiple submitters, no conflicts (2 of 4 stars). 2 submissions from 2 submitters: Uncertain significance (2). Last evaluated 2026-02-25.

Conditions:
Desmin-related myofibrillar myopathy (MFM1). Also called: Desminopathy; Desmin related myopathy (former name); Desmin storage myopathy (former name); MYOFIBRILLAR MYOPATHY WITH ARRHYTHMOGENIC RIGHT VENTRICULAR CARDIOMYOPATHY; DESMIN-RELATED MYOPATHY WITH ARRHYTHMOGENIC RIGHT VENTRICULAR CARDIOMYOPATHY; Myofibrillar myopathy 1. Identifiers: Orphanet 363543, Orphanet 98909, MedGen C1832370, MONDO:0011076, OMIM 601419.
Cardiovascular phenotype. Identifiers: MedGen CN230736.

Submissions (2):

Ambry Genetics
Classification: Uncertain significance for Cardiovascular phenotype. Last evaluated: 2026-02-25. Review status: criteria provided, single submitter. Criteria: Ambry Variant Classification Scheme 2023. Collection method: clinical testing. Allele origin: germline.

Labcorp Genetics (formerly Invitae), Labcorp
Classification: Uncertain significance for Desmin-related myofibrillar myopathy. Last evaluated: 2024-02-27. Review status: criteria provided, single submitter. Criteria: Invitae Variant Classification Sherloc (09022015). Collection method: clinical testing. Allele origin: germline.
Comment: This sequence change replaces glutamic acid, which is acidic and polar, with lysine, which is basic and polar, at codon 161 of the DES protein (p.Glu161Lys). This variant is present in population databases (no rsID available, gnomAD 0.02%). This variant has not been reported in the literature in individuals affected with DES-related conditions. Advanced modeling of protein sequence and biophysical properties (such as structural, functional, and spatial information, amino acid conservation, physicochemical variation, residue mobility, and thermodynamic stability) has been performed at Invitae for this missense variant, however the output from this modeling did not meet the statistical confidence thresholds required to predict the impact of this variant on DES protein function. In summary, the available evidence is currently insufficient to determine the role of this variant in disease. Therefore, it has been classified as a Variant of Uncertain Significance.

NM_001927.4(DES):c.481G>A (p.Glu161Lys)

Gene: DES (desmin; plus strand). Cytogenetic location: 2q35.
Variant type: single nucleotide variant.
Coding change: c.481G>A on transcript NM_001927.4 (MANE Select); coding-DNA position 481, G replaced by A.
Protein change: p.Glu161Lys; replaces glutamic acid 161 with lysine.
Molecular consequence: missense variant.
Genome position (GRCh38, 1-based): chr2:219,418,943, G>A. VCF-style: chr2-219418943-G-A. GRCh37 (hg19) VCF-style: chr2-220283665-G-A.
Other names: c.481G>A, p.Glu161Lys (NM_001382709.1, NM_001382710.1, NM_001382711.1 and 3 more transcripts); short protein forms E161K.
Identifiers: ClinVar variation 3760939 (VCV003760939.3).